The following is an entry in ClinVar:

ClinVar aggregate classification (germline): Uncertain significance (1 of 4 stars; one submission).

Allele frequency attached by ClinVar (database versions not stated): gnomAD exomes 0.00002.
gnomAD v4.1: 22 of 1,519,868 alleles (0.0014%); highest among the groups gnomAD compares: Non-Finnish European, 0.0019%; no homozygotes.

Submission:

Labcorp Genetics (formerly Invitae), Labcorp
Classification: Uncertain significance. Last evaluated: 2021-08-30. Review status: criteria provided, single submitter. Criteria: Invitae Variant Classification Sherloc (09022015). Collection method: clinical testing. Allele origin: germline.
Comment: This sequence change replaces valine with phenylalanine at codon 7 of the GPR179 protein (p.Val7Phe). The valine residue is moderately conserved and there is a small physicochemical difference between valine and phenylalanine. This variant is not present in population databases (ExAC no frequency). This variant has not been reported in the literature in individuals affected with GPR179-related conditions. Algorithms developed to predict the effect of missense changes on protein structure and function are either unavailable or do not agree on the potential impact of this missense change (SIFT: "Deleterious"; PolyPhen-2: "Possibly Damaging"; Align-GVGD: "Class C0"). In summary, the available evidence is currently insufficient to determine the role of this variant in disease. Therefore, it has been classified as a Variant of Uncertain Significance.

NM_001004334.4(GPR179):c.19G>T (p.Val7Phe)

Gene: GPR179 (G protein-coupled receptor 179; minus strand). Cytogenetic location: 17q12.
Variant type: single nucleotide variant.
Coding change: c.19G>T on transcript NM_001004334.4 (MANE Select); coding-DNA position 19, G replaced by T.
Protein change: p.Val7Phe; replaces valine 7 with phenylalanine.
Molecular consequence: missense variant.
Genome position (GRCh38, 1-based): chr17:38,343,771, C>A on the plus strand (G>T on the coding strand, the complement: GPR179 is on the minus strand). VCF-style: chr17-38343771-C-A. GRCh37 (hg19) VCF-style: chr17-36499654-C-A.
Other names: short protein forms V7F.
Identifiers: ClinVar variation 1516304 (VCV001516304.5), dbSNP rs1322534939, ClinGen allele CA398890078.